The following is an entry in ClinVar:

ClinVar aggregate classification (germline): Uncertain significance (1 of 4 stars; one submission).

Submission:

Labcorp Genetics (formerly Invitae), Labcorp
Classification: Uncertain significance. Last evaluated: 2023-06-24. Review status: criteria provided, single submitter. Criteria: Invitae Variant Classification Sherloc (09022015). Collection method: clinical testing. Allele origin: germline.
Comment: In summary, the available evidence is currently insufficient to determine the role of this variant in disease. Therefore, it has been classified as a Variant of Uncertain Significance. Advanced modeling of protein sequence and biophysical properties (such as structural, functional, and spatial information, amino acid conservation, physicochemical variation, residue mobility, and thermodynamic stability) has been performed at Invitae for this missense variant, however the output from this modeling did not meet the statistical confidence thresholds required to predict the impact of this variant on COL11A1 protein function. This variant has not been reported in the literature in individuals affected with COL11A1-related conditions. This variant is not present in population databases (gnomAD no frequency). This sequence change replaces leucine, which is neutral and non-polar, with isoleucine, which is neutral and non-polar, at codon 1199 of the COL11A1 protein (p.Leu1199Ile).

NM_001854.4(COL11A1):c.3595C>A (p.Leu1199Ile)

Gene: COL11A1 (collagen type XI alpha 1 chain; minus strand). Cytogenetic location: 1p21.1.
Variant type: single nucleotide variant.
Coding change: c.3595C>A on transcript NM_001854.4 (MANE Select); coding-DNA position 3595, C replaced by A.
Protein change: p.Leu1199Ile; replaces leucine 1199 with isoleucine.
Molecular consequence: missense variant. On other transcripts: non-coding transcript variant (1).
Genome position (GRCh38, 1-based): chr1:102,934,454, G>T on the plus strand (C>A on the coding strand, the complement: COL11A1 is on the minus strand). VCF-style: chr1-102934454-G-T. GRCh37 (hg19) VCF-style: chr1-103400010-G-T.
Other names: c.3247C>A, p.Leu1083Ile (NM_001168249.1, NM_080630.4); c.3478C>A, p.Leu1160Ile (NM_001190709.2); c.3631C>A, p.Leu1211Ile (NM_080629.3); short protein forms L1211I, L1160I, L1083I, L1199I.
Identifiers: ClinVar variation 2859191 (VCV002859191.3), dbSNP rs138507620, ClinGen allele CA341167291.